The following is an entry in ClinVar:

ClinVar aggregate classification (germline): Uncertain significance (1 of 4 stars; one submission).

Conditions:
Epileptic encephalopathy. Identifiers: MedGen C0543888, HP:0200134.

Allele frequency attached by ClinVar (database versions not stated): ExAC 0.00003; gnomAD 0.00001.
gnomAD v4.1: 21 of 1,607,540 alleles (0.0013%); highest among the groups gnomAD compares: Middle Eastern, 0.016%; no homozygotes.

Submission:

Labcorp Genetics (formerly Invitae), Labcorp
Classification: Uncertain significance for Epileptic encephalopathy. Last evaluated: 2017-01-23. Review status: criteria provided, single submitter. Criteria: Invitae Variant Classification Sherloc (09022015). Collection method: clinical testing. Allele origin: germline.
Comment: This sequence change replaces aspartic acid with asparagine at codon 2272 of the RYR3 protein (p.Asp2272Asn). The aspartic acid residue is moderately conserved and there is a small physicochemical difference between aspartic acid and asparagine. This variant is present in population databases (rs771479235, ExAC 0.005%) but has not been reported in the literature in individuals with a RYR3-related disease. Algorithms developed to predict the effect of missense changes on protein structure and function output the following: (SIFT: "Tolerated"; PolyPhen-2: "Benign"; Align-GVGD: "Class C0"). The asparagine amino acid residue is found in multiple mammalian species, suggesting that this missense change does not adversely affect protein function. These predictions have not been confirmed by published functional studies. In summary, this variant is a rare missense change that is not predicted to affect protein function. There is no indication that it causes disease, but the available evidence is currently insufficient to prove that conclusively. Therefore, it has been classified as a Variant of Uncertain Significance.

NM_001036.6(RYR3):c.6814G>A (p.Asp2272Asn)

Gene: RYR3 (ryanodine receptor 3; plus strand). Cytogenetic location: 15q14.
Variant type: single nucleotide variant.
Coding change: c.6814G>A on transcript NM_001036.6 (MANE Select); coding-DNA position 6814, G replaced by A.
Protein change: p.Asp2272Asn; replaces aspartic acid 2272 with asparagine.
Molecular consequence: missense variant.
Genome position (GRCh38, 1-based): chr15:33,724,078, G>A. VCF-style: chr15-33724078-G-A. GRCh37 (hg19) VCF-style: chr15-34016279-G-A.
Other names: c.6814G>A, p.Asp2272Asn (NM_001243996.4); short protein forms D2272N.
Identifiers: ClinVar variation 461940 (VCV000461940.8), dbSNP rs771479235, ClinGen allele CA7459695.
Genomic context (GRCh38, chr15:33,724,078, plus strand): 5'-AGTGCCTGCCAACCTTCCTCACACCTCCCCTCTGTTGGTTCTCTCAGCAGCACGGGGGAC[G>A]ATGAAGAGGAAGAAGAAATCGTGCATATGGGCAATGCAATTATGTCATTTTATTCGGCCC-3'
Protein context (NP_001027.3, residues 2262-2282): GYKREVSTGD[Asp2272Asn]EEEEEIVHMG